The following is an entry in ClinVar:

ClinVar aggregate classification (germline): Uncertain significance (1 of 4 stars; one submission).

Submission:

GeneDx
Classification: Uncertain significance. Last evaluated: 2022-02-04. Review status: criteria provided, single submitter. Criteria: GeneDx Variant Classification Process June 2021. Collection method: clinical testing. Allele origin: germline. Affected: yes.
Comment: Not observed at significant frequency in large population cohorts (gnomAD); In silico analysis supports that this missense variant does not alter protein structure/function; Has not been previously published as pathogenic or benign to our knowledge

NM_001035.3(RYR2):c.10903T>C (p.Tyr3635His)

Gene: RYR2 (ryanodine receptor 2; plus strand). Cytogenetic location: 1q43.
Variant type: single nucleotide variant.
Coding change: c.10903T>C on transcript NM_001035.3 (MANE Select); coding-DNA position 10903, T replaced by C.
Protein change: p.Tyr3635His; replaces tyrosine 3635 with histidine.
Molecular consequence: missense variant.
Genome position (GRCh38, 1-based): chr1:237,730,324, T>C. VCF-style: chr1-237730324-T-C. GRCh37 (hg19) VCF-style: chr1-237893624-T-C.
Other names: short protein forms Y3635H.
Identifiers: ClinVar variation 1700480 (VCV001700480.2), dbSNP rs2149159601, ClinGen allele CA345417894.